The following is an entry in ClinVar:

ClinVar aggregate classification (germline): Conflicting classifications of pathogenicity. Review status: criteria provided, conflicting classifications (1 of 4 stars). 2 submissions from 2 submitters: Uncertain significance (1); Likely benign (1). Last evaluated 2025-11-04.

Conditions:
Inborn genetic diseases. Identifiers: MedGen C0950123, MeSH D030342.

Allele frequency attached by ClinVar (database versions not stated): ESP Exome Variant Server 0.00008; gnomAD 0.00013 and 0.00015; TOPMed 0.00015.
gnomAD v4.1: 159 of 1,614,058 alleles (0.0099%); highest among the groups gnomAD compares: African/African-American, 0.032%; no homozygotes.

Submissions (2):

Labcorp Genetics (formerly Invitae), Labcorp
Classification: Uncertain significance. Last evaluated: 2025-11-04. Review status: criteria provided, single submitter. Criteria: Invitae Variant Classification Sherloc (09022015). Collection method: clinical testing. Allele origin: germline.
Comment: This sequence change replaces valine, which is neutral and non-polar, with isoleucine, which is neutral and non-polar, at codon 961 of the DSG1 protein (p.Val961Ile). This variant is present in population databases (rs200143796, gnomAD 0.04%). This variant has not been reported in the literature in individuals affected with DSG1-related conditions. ClinVar contains an entry for this variant (Variation ID: 1360704). An algorithm developed to predict the effect of missense changes on protein structure and function outputs the following: PolyPhen-2: "Benign". The isoleucine amino acid residue is found in multiple mammalian species, which suggests that this missense change does not adversely affect protein function. In summary, the available evidence is currently insufficient to determine the role of this variant in disease. Therefore, it has been classified as a Variant of Uncertain Significance.

Ambry Genetics
Classification: Likely benign for Inborn genetic diseases. Last evaluated: 2021-09-16. Review status: criteria provided, single submitter. Criteria: Ambry Variant Classification Scheme 2023. Collection method: clinical testing. Allele origin: germline.

NM_001942.4(DSG1):c.2881G>A (p.Val961Ile)

Genes: DSG1 (desmoglein 1; plus strand), DSG1-AS1 (DSG1 antisense RNA 1; minus strand). Cytogenetic location: 18q12.1.
Variant type: single nucleotide variant.
Coding change: c.2881G>A on transcript NM_001942.4 (MANE Select); coding-DNA position 2881, G replaced by A.
Protein change: p.Val961Ile; replaces valine 961 with isoleucine.
Molecular consequence: missense variant.
Genome position (GRCh38, 1-based): chr18:31,355,077, G>A. VCF-style: chr18-31355077-G-A. GRCh37 (hg19) VCF-style: chr18-28935040-G-A.
Other names: c.2881G>A (NM_001942.2); short protein forms V961I.
Identifiers: ClinVar variation 1360704 (VCV001360704.7), dbSNP rs200143796, ClinGen allele CA8926468.
Genomic context (GRCh38, chr18:31,355,077, plus strand): 5'-CCCGAGTTAGCCAATGCCCACAATGTCATTGTGACAGAGAGGGTTGTTTCTGGTGCTGGC[G>A]TAACTGGAATTAGTGGCACCACTGGGATCAGCGGTGGCATAGGCAGCAGTGGCCTGGTTG-3'
Protein context (NP_001933.2, residues 951-971): VTERVVSGAG[Val961Ile]TGISGTTGIS